The following is an entry in ClinVar:

NM_000138.5(FBN1):c.7217_7226delinsTACAGA (p.Cys2406fs)

Gene: FBN1 (fibrillin 1; minus strand). Cytogenetic location: 15q21.1.
Variant type: Indel.
Coding change: c.7217_7226delinsTACAGA on transcript NM_000138.5 (MANE Select); coding-DNA positions 7217 to 7226, GCAAGGTTAT replaced by TACAGA.
Protein change: p.Cys2406fs; shifts the reading frame from cysteine 2406.
Molecular consequence: frameshift variant.
Genome position (GRCh38, 1-based): chr15:48,425,843-48,425,852, ATAACCTTGC replaced by TCTGTA on the plus strand (GCAAGGTTAT replaced by TACAGA on the coding strand, the reverse complement: FBN1 is on the minus strand). VCF-style: chr15-48425843-ATAACCTTGC-TCTGTA. GRCh37 (hg19) VCF-style: chr15-48718040-ATAACCTTGC-TCTGTA.
Other names: short protein forms C2406fs.
Identifiers: ClinVar variation 667004 (VCV000667004.4), dbSNP rs1597516501, ClinGen allele CA913187674.
Genomic context (GRCh38, chr15:48,425,843, plus strand): 5'-CAAATGCAATGATATGATCCTCTGTCATTGACACATTCCCCATTTCGGCAAACATCGTGA[ATAACCTTGC>TCTGTA]ATTCATCGATATCTGTAATTTAACAAATATAAATTAAGAAATATATCATAAAATTGACAA-3'

ClinVar aggregate classification (germline): Likely pathogenic (1 of 4 stars; one submission).

Conditions:
Marfan syndrome (MFS). Also called: MARFAN SYNDROME, TYPE I; FBN1-Related Marfan Syndrome; Marfan syndrome type 1; Marfan's syndrome; Marfan syndrome, classic. Identifiers: Orphanet 284963, Orphanet 558, MedGen C0024796, MONDO:0007947, OMIM 154700.

Submission:

Laboratory for Molecular Medicine, Mass General Brigham Personalized Medicine
Classification: Likely pathogenic for Marfan syndrome. Last evaluated: 2018-02-08. Review status: criteria provided, single submitter. Criteria: LMM Criteria. Collection method: clinical testing. Allele origin: germline. Inheritance: Autosomal dominant inheritance. Observed: 1 variant allele.
Comment: The p.Cys2406fs variant in FBN1 has not been previously reported in individuals with Marfan syndrome and was absent from large population studies, though the ab ility of these studies to accurately detect indels may be limited. This variant is predicted to cause a frameshift, which alters the protein?s amino acid sequen ce beginning at position 2406 and leads to a premature termination codon 31 amin o acids downstream. This alteration is then predicted to lead to a truncated or absent protein. Heterozygous loss of function of the FBN1 gene is an established disease mechanism in Marfan syndrome. In summary, although additional studies a re required to fully establish its clinical significance, the p.Cys2406fs varian t is likely pathogenic. ACMG/AMP Criteria applied (Richards 2015): PVS1, PM2.